The following is an entry in ClinVar:

NM_001184.4(ATR):c.3808G>A (p.Glu1270Lys)

Gene: ATR (ATR checkpoint kinase; minus strand). Cytogenetic location: 3q23.
Variant type: single nucleotide variant.
Coding change: c.3808G>A on transcript NM_001184.4 (MANE Select); coding-DNA position 3808, G replaced by A.
Protein change: p.Glu1270Lys; replaces glutamic acid 1270 with lysine.
Molecular consequence: missense variant.
Genome position (GRCh38, 1-based): chr3:142,536,119, C>T on the plus strand (G>A on the coding strand, the complement: ATR is on the minus strand). VCF-style: chr3-142536119-C-T. GRCh37 (hg19) VCF-style: chr3-142254961-C-T.
Other names: c.3616G>A, p.Glu1206Lys (NM_001354579.2); short protein forms E1206K, E1270K.
Identifiers: ClinVar variation 1735115 (VCV001735115.2), dbSNP rs557315779, ClinGen allele CA354806629.

ClinVar aggregate classification (germline): Uncertain significance (1 of 4 stars; one submission).

Conditions:
Inborn genetic diseases. Identifiers: MedGen C0950123, MeSH D030342.

Submission:

Ambry Genetics
Classification: Uncertain significance for Inborn genetic diseases. Last evaluated: 2022-09-26. Review status: criteria provided, single submitter. Criteria: Ambry Variant Classification Scheme 2023. Collection method: clinical testing. Allele origin: germline.
Comment: The p.E1270K variant (also known as c.3808G>A), located in coding exon 20 of the ATR gene, results from a G to A substitution at nucleotide position 3808. The glutamic acid at codon 1270 is replaced by lysine, an amino acid with similar properties. This amino acid position is conserved. In addition, the in silico prediction for this alteration is inconclusive. Since supporting evidence is limited at this time, the clinical significance of this alteration remains unclear.